The following is an entry in ClinVar:

NM_138576.4(BCL11B):c.1579G>A (p.Gly527Ser)

Gene: BCL11B (BCL11 transcription factor B; minus strand). Cytogenetic location: 14q32.2.
Variant type: single nucleotide variant.
Coding change: c.1579G>A on transcript NM_138576.4 (MANE Select); coding-DNA position 1579, G replaced by A.
Protein change: p.Gly527Ser; replaces glycine 527 with serine.
Molecular consequence: missense variant.
Genome position (GRCh38, 1-based): chr14:99,175,257, C>T on the plus strand (G>A on the coding strand, the complement: BCL11B is on the minus strand). VCF-style: chr14-99175257-C-T. GRCh37 (hg19) VCF-style: chr14-99641594-C-T.
Other names: c.1576G>A, p.Gly526Ser (NM_001282237.2); c.1363G>A, p.Gly455Ser (NM_001282238.2); c.1366G>A, p.Gly456Ser (NM_022898.3); c.1579G>A (NM_138576.2); short protein forms G455S, G456S, G526S, G527S.
Identifiers: ClinVar variation 3608479 (VCV003608479.3).

ClinVar aggregate classification (germline): Uncertain significance. Review status: criteria provided, multiple submitters, no conflicts (2 of 4 stars). 2 submissions from 2 submitters: Uncertain significance (2). Last evaluated 2025-05-29.

Conditions:
Inborn genetic diseases. Identifiers: MedGen C0950123, MeSH D030342.

gnomAD v4.1: 10 of 1,543,742 alleles (0.00065%); highest among the groups gnomAD compares: East Asian, 0.0024%; no homozygotes.

Submissions (2):

Ambry Genetics
Classification: Uncertain significance for Inborn genetic diseases. Last evaluated: 2025-05-29. Review status: criteria provided, single submitter. Criteria: Ambry Variant Classification Scheme 2023. Collection method: clinical testing. Allele origin: germline.

Labcorp Genetics (formerly Invitae), Labcorp
Classification: Uncertain significance. Last evaluated: 2024-02-08. Review status: criteria provided, single submitter. Criteria: Invitae Variant Classification Sherloc (09022015). Collection method: clinical testing. Allele origin: germline.
Comment: This sequence change replaces glycine, which is neutral and non-polar, with serine, which is neutral and polar, at codon 527 of the BCL11B protein (p.Gly527Ser). This variant is present in population databases (no rsID available, gnomAD 0.002%). This variant has not been reported in the literature in individuals affected with BCL11B-related conditions. Advanced modeling of protein sequence and biophysical properties (such as structural, functional, and spatial information, amino acid conservation, physicochemical variation, residue mobility, and thermodynamic stability) performed at Invitae indicates that this missense variant is not expected to disrupt BCL11B protein function with a negative predictive value of 80%. In summary, the available evidence is currently insufficient to determine the role of this variant in disease. Therefore, it has been classified as a Variant of Uncertain Significance.